The following is an entry in ClinVar:

ClinVar aggregate classification (germline): Uncertain significance (0 of 4 stars; one submission).

Conditions:
BBS4-related disorder. Also called: BBS4-related condition.

gnomAD v4.1: 7 of 1,614,082 alleles (0.00043%); highest among the groups gnomAD compares: Non-Finnish European, 0.00059%; no homozygotes.

Submission:

PreventionGenetics, part of Exact Sciences
Classification: Uncertain significance for BBS4-related condition. Last evaluated: 2024-05-29. Review status: no assertion criteria provided. Collection method: clinical testing. Allele origin: germline.
Comment: The BBS4 c.194T>G variant is predicted to result in the amino acid substitution p.Leu65Trp. To our knowledge, this variant has not been reported in the literature. This variant is reported in 0.00088% of alleles in individuals of European (Non-Finnish) descent in gnomAD. At this time, the clinical significance of this variant is uncertain due to the absence of conclusive functional and genetic evidence.

NM_033028.5(BBS4):c.194T>G (p.Leu65Trp)

Gene: BBS4 (Bardet-Biedl syndrome 4; plus strand). Cytogenetic location: 15q24.1.
Variant type: single nucleotide variant.
Coding change: c.194T>G on transcript NM_033028.5 (MANE Select); coding-DNA position 194, T replaced by G.
Protein change: p.Leu65Trp; replaces leucine 65 with tryptophan.
Molecular consequence: missense variant. On other transcripts: 5 prime UTR variant (1), non-coding transcript variant (2).
Genome position (GRCh38, 1-based): chr15:72,712,281, T>G. VCF-style: chr15-72712281-T-G. GRCh37 (hg19) VCF-style: chr15-73004622-T-G.
Other names: c.-328T>G (NM_001252678.2); c.194T>G, p.Leu65Trp (NM_001320665.2); short protein forms L65W.
Identifiers: ClinVar variation 3356267 (VCV003356267.1).